The following is an entry in ClinVar:

NM_000271.5(NPC1):c.81G>A (p.Trp27Ter)

Gene: NPC1 (NPC intracellular cholesterol transporter 1; minus strand). Cytogenetic location: 18q11.2.
Variant type: single nucleotide variant.
Coding change: c.81G>A on transcript NM_000271.5 (MANE Select); coding-DNA position 81, G replaced by A.
Protein change: p.Trp27Ter; replaces tryptophan 27 with a stop codon.
Molecular consequence: nonsense.
Genome position (GRCh38, 1-based): chr18:23,573,551, C>T on the plus strand (G>A on the coding strand, the complement: NPC1 is on the minus strand). VCF-style: chr18-23573551-C-T. GRCh37 (hg19) VCF-style: chr18-21153515-C-T.
Other names: short protein forms W27*.
Identifiers: ClinVar variation 838982 (VCV000838982.8), dbSNP rs2059233403, ClinGen allele CA402041395.

ClinVar aggregate classification (germline): Pathogenic (1 of 4 stars; one submission).

Conditions:
Niemann-Pick disease, type C1. Also called: NEUROVISCERAL STORAGE DISEASE WITH VERTICAL SUPRANUCLEAR OPHTHALMOPLEGIA; NIEMANN-PICK DISEASE WITH CHOLESTEROL ESTERIFICATION BLOCK; NIEMANN-PICK DISEASE WITHOUT SPHINGOMYELINASE DEFICIENCY; NIEMANN-PICK DISEASE, CHRONIC NEURONOPATHIC FORM; NIEMANN-PICK DISEASE, VARIANT TYPE C1. Identifiers: Orphanet 646, MedGen C3179455, MONDO:0009757, OMIM 257220.

Submission:

Labcorp Genetics (formerly Invitae), Labcorp
Classification: Pathogenic for Niemann-Pick disease, type C1. Last evaluated: 2019-12-19. Review status: criteria provided, single submitter. Criteria: Invitae Variant Classification Sherloc (09022015). Collection method: clinical testing. Allele origin: germline.
Comment: For these reasons, this variant has been classified as Pathogenic. Loss-of-function variants in NPC1 are known to be pathogenic (PMID: 9211850). This variant has not been reported in the literature in individuals with NPC1-related conditions. This variant is not present in population databases (ExAC no frequency). This sequence change creates a premature translational stop signal (p.Trp27*) in the NPC1 gene. It is expected to result in an absent or disrupted protein product.

Literature cited by the submitters: PubMed 9211850.